The following is an entry in ClinVar:

NC_000010.10:g.(?_103190082)_(103384587_?)dup

Genes: BTRC (beta-transducin repeat containing E3 ubiquitin protein ligase; plus strand), DPCD (deleted in primary ciliary dyskinesia homolog (mouse); plus strand), FBXW4 (F-box and WD repeat domain containing 4; minus strand), POLL (DNA polymerase lambda; minus strand). Cytogenetic location: 10q24.32.
Variant type: Duplication.
Identifiers: ClinVar variation 3245035 (VCV003245035.1).

ClinVar aggregate classification (germline): Uncertain significance (1 of 4 stars; one submission).

Submission:

Labcorp Genetics (formerly Invitae), Labcorp
Classification: Uncertain significance. Last evaluated: 2023-03-17. Review status: criteria provided, single submitter. Criteria: Invitae Variant Classification Sherloc (09022015). Collection method: clinical testing. Allele origin: unknown.
Comment: In summary, the available evidence is currently insufficient to determine the role of this variant in disease. Therefore, it has been classified as a Variant of Uncertain Significance. This variant has not been reported in the literature in individuals affected with BTRC-related conditions. This variant results in a copy number gain of the genomic region encompassing exon(s) 2-15 of the BTRC gene. This region includes the termination codon of the gene. This copy number gain extends beyond the assayed region for this gene and therefore may encompass additional genes. As the precise location of this event is unknown, it may be in tandem or it may be located elsewhere in the genome.